The following is an entry in ClinVar:

ClinVar aggregate classification (germline): Pathogenic (1 of 4 stars; one submission).

Allele frequency attached by ClinVar (database versions not stated): gnomAD exomes 0.00002 and 0.00003; TOPMed 0.00002; ExAC 0.00004; gnomAD 0.00004; ESP Exome Variant Server 0.00023.
gnomAD v4.1: 38 of 1,552,088 alleles (0.0024%); highest among the groups gnomAD compares: African/African-American, 0.0081%; no homozygotes.

Submission:

GeneDx
Classification: Pathogenic. Last evaluated: 2017-12-13. Review status: criteria provided, single submitter. Criteria: GeneDx Variant Classification (06012015). Collection method: clinical testing. Allele origin: germline. Affected: yes.
Comment: The R208X variant in the CWF19L1 gene has not been reported previously as a pathogenic variantnor as a benign variant, to our knowledge. This pathogenic variant is predicted to cause loss of normalprotein function either through protein truncation or nonsense-mediated mRNA decay. The R208Xvariant was not observed with any significant frequency in approximately 6,500 individuals ofEuropean and African American ancestry in the NHLBI Exome Sequencing Project, and no individualswere reported as homozygous for this variant. We interpret R208X as a pathogenic variant.

NM_018294.6(CWF19L1):c.622C>T (p.Arg208Ter)

Gene: CWF19L1 (CWF19 like cell cycle control factor 1; minus strand). Cytogenetic location: 10q24.31.
Variant type: single nucleotide variant.
Coding change: c.622C>T on transcript NM_018294.6 (MANE Select); coding-DNA position 622, C replaced by T.
Protein change: p.Arg208Ter; replaces arginine 208 with a stop codon.
Molecular consequence: nonsense. On other transcripts: 5 prime UTR variant (1).
Genome position (GRCh38, 1-based): chr10:100,253,422, G>A on the plus strand (C>T on the coding strand, the complement: CWF19L1 is on the minus strand). VCF-style: chr10-100253422-G-A. GRCh37 (hg19) VCF-style: chr10-102013179-G-A.
Other names: c.622C>T, p.Arg208Ter (NM_001303404.2); c.211C>T, p.Arg71Ter (NM_001303405.2, NM_001303406.2); c.-114C>T (NM_001303407.2); short protein forms R208*, R71*.
Identifiers: ClinVar variation 419610 (VCV000419610.2), dbSNP rs150239404, ClinGen allele CA5647127.